The following is an entry in ClinVar:

ClinVar aggregate classification (germline): Pathogenic (1 of 4 stars; one submission).

Conditions:
DICER1-related tumor predisposition. Also called: DICER1-related pleuropulmonary blastoma cancer predisposition syndrome; DICER1 syndrome. Identifiers: Orphanet 284343, MedGen C3839822, MONDO:0100216.

Submission:

Foulkes Cancer Genetics LDI, Lady Davis Institute for Medical Research
Classification: Pathogenic for Pleuropulmonary blastoma. Last evaluated: 2019-07-01. Review status: criteria provided, single submitter. Criteria: ACMG Guidelines, 2015. Collection method: curation. Allele origin: germline. Affected: yes. Observed: 1 variant allele.
Comment: ACMG criteria met: PVS1, PM2, PP4

Literature cited by the submitters: PubMed 24675358.

NM_177438.3(DICER1):c.5460C>G (p.Tyr1820Ter)

Gene: DICER1 (dicer 1, ribonuclease III; minus strand). Cytogenetic location: 14q32.13.
Variant type: single nucleotide variant.
Coding change: c.5460C>G on transcript NM_177438.3 (MANE Select); coding-DNA position 5460, C replaced by G.
Protein change: p.Tyr1820Ter; replaces tyrosine 1820 with a stop codon.
Molecular consequence: nonsense. On other transcripts: intron variant (1).
Genome position (GRCh38, 1-based): chr14:95,091,270, G>C on the plus strand (C>G on the coding strand, the complement: DICER1 is on the minus strand). VCF-style: chr14-95091270-G-C. GRCh37 (hg19) VCF-style: chr14-95557607-G-C.
Other names: c.5460C>G, p.Tyr1820Ter (NM_001271282.3, NM_001291628.2, NM_030621.4); c.5365-161C>G (NM_001195573.1); short protein forms Y1820*.
Identifiers: ClinVar variation 933127 (VCV000933127.3), dbSNP rs1889801913, ClinGen allele CA390864605.